The following is an entry in ClinVar:

NM_001039348.3(EFEMP1):c.1354G>A (p.Val452Met)

Gene: EFEMP1 (EGF-like fibulin extracellular matrix protein 1; minus strand). Cytogenetic location: 2p16.1.
Variant type: single nucleotide variant.
Coding change: c.1354G>A on transcript NM_001039348.3 (MANE Select); coding-DNA position 1354, G replaced by A.
Protein change: p.Val452Met; replaces valine 452 with methionine.
Molecular consequence: missense variant.
Genome position (GRCh38, 1-based): chr2:55,867,201, C>T on the plus strand (G>A on the coding strand, the complement: EFEMP1 is on the minus strand). VCF-style: chr2-55867201-C-T. GRCh37 (hg19) VCF-style: chr2-56094336-C-T.
Other names: c.1354G>A, p.Val452Met (NM_001039349.3); c.1354G>A (NM_001039348.2); short protein forms V452M.
Identifiers: ClinVar variation 1014594 (VCV001014594.11), dbSNP rs139171666, ClinGen allele CA1668691.

ClinVar aggregate classification (germline): Uncertain significance. Review status: criteria provided, multiple submitters, no conflicts (2 of 4 stars). 2 submissions from 2 submitters: Uncertain significance (2). Last evaluated 2025-04-08.

Conditions:
Inborn genetic diseases. Identifiers: MedGen C0950123, MeSH D030342.

Allele frequency attached by ClinVar (database versions not stated): gnomAD exomes 0.00001 and 0.00003; gnomAD 0.00003 and 0.00004; TOPMed 0.00003; ExAC 0.00004; ESP Exome Variant Server 0.00008; 1000 Genomes Project 30x 0.00016; 1000 Genomes Project 0.00020.
gnomAD v4.1: 24 of 1,613,876 alleles (0.0015%); highest among the groups gnomAD compares: African/African-American, 0.011%; no homozygotes.

Submissions (2):

Labcorp Genetics (formerly Invitae), Labcorp
Classification: Uncertain significance. Last evaluated: 2025-04-08. Review status: criteria provided, single submitter. Criteria: Invitae Variant Classification Sherloc (09022015). Collection method: clinical testing. Allele origin: germline.
Comment: This sequence change replaces valine, which is neutral and non-polar, with methionine, which is neutral and non-polar, at codon 452 of the EFEMP1 protein (p.Val452Met). This variant is present in population databases (rs139171666, gnomAD 0.02%). This variant has not been reported in the literature in individuals affected with EFEMP1-related conditions. ClinVar contains an entry for this variant (Variation ID: 1014594). Invitae Evidence Modeling of protein sequence and biophysical properties (such as structural, functional, and spatial information, amino acid conservation, physicochemical variation, residue mobility, and thermodynamic stability) indicates that this missense variant is not expected to disrupt EFEMP1 protein function with a negative predictive value of 80%. In summary, the available evidence is currently insufficient to determine the role of this variant in disease. Therefore, it has been classified as a Variant of Uncertain Significance.

Ambry Genetics
Classification: Uncertain significance for Inborn genetic diseases. Last evaluated: 2024-02-13. Review status: criteria provided, single submitter. Criteria: Ambry Variant Classification Scheme 2023. Collection method: clinical testing. Allele origin: germline.